The following is an entry in ClinVar:

NM_001101362.3(KBTBD13):c.219G>A (p.Ala73=)

Gene: KBTBD13 (kelch repeat and BTB domain containing 13; plus strand). Cytogenetic location: 15q22.31.
Variant type: single nucleotide variant.
Coding change: c.219G>A on transcript NM_001101362.3 (MANE Select); coding-DNA position 219, G replaced by A.
Protein change: p.Ala73=; no amino-acid change (alanine 73 retained).
Molecular consequence: synonymous variant.
Genome position (GRCh38, 1-based): chr15:65,077,034, G>A. VCF-style: chr15-65077034-G-A. GRCh37 (hg19) VCF-style: chr15-65369372-G-A.
Identifiers: ClinVar variation 515408 (VCV000515408.8), dbSNP rs868363260, ClinGen allele CA271503080.
Genomic context (GRCh38, chr15:65,077,034, plus strand): 5'-GAGCGCGGGAGGTTTCCGCGCCACGCTGCAGGTGCTGCGCGGCGACCGGCCGGCGCTGGC[G>A]GCGGAGGACGAGCTGCTGCAGGCCGTGGAGTGCGCCGCCTTCCTCCAGGCGCCGGCGCTG-3'
Protein context (NP_001094832.1, residues 63-83): QVLRGDRPAL[Ala73=]AEDELLQAVE

ClinVar aggregate classification (germline): Likely benign. Review status: criteria provided, multiple submitters, no conflicts (2 of 4 stars). 2 submissions from 2 submitters: Likely benign (2). Last evaluated 2025-10-03.

Conditions:
Nemaline myopathy 6 (NEM6). Also called: Nemaline myopathy 6, autosomal dominant. Identifiers: Orphanet 171439, MedGen C1836472, MONDO:0012237, OMIM 609273.

Allele frequency attached by ClinVar (database versions not stated): TOPMed 0.00011.

Submissions (2):

Labcorp Genetics (formerly Invitae), Labcorp
Classification: Likely benign for Nemaline myopathy 6. Last evaluated: 2025-10-03. Review status: criteria provided, single submitter. Criteria: Invitae Variant Classification Sherloc (09022015). Collection method: clinical testing. Allele origin: germline.

GeneDx
Classification: Likely benign. Last evaluated: 2018-02-16. Review status: criteria provided, single submitter. Criteria: GeneDx Variant Classification (06012015). Collection method: clinical testing. Allele origin: germline. Affected: yes.
Comment: This variant is considered likely benign or benign based on one or more of the following criteria: it is a conservative change, it occurs at a poorly conserved position in the protein, it is predicted to be benign by multiple in silico algorithms, and/or has population frequency not consistent with disease.